The following is an entry in ClinVar:

ClinVar aggregate classification (germline): Uncertain significance. Review status: criteria provided, multiple submitters, no conflicts (2 of 4 stars). 2 submissions from 2 submitters: Uncertain significance (2). Last evaluated 2026-04-14.

Conditions:
Low phospholipid associated cholelithiasis (GBD1). Also called: Gallstone cholecystitis; Gallbladder disease 1. Identifiers: Orphanet 69663, MedGen C2609268, MONDO:0010939, OMIM 600803.

Allele frequency attached by ClinVar (database versions not stated): ExAC 0.00001.
gnomAD v4.1: 26 of 1,613,640 alleles (0.0016%); highest among the groups gnomAD compares: Non-Finnish European, 0.0022%; no homozygotes.

Submissions (2):

Genomenon, Inc
Classification: Uncertain significance for Low phospholipid associated cholelithiasis. Last evaluated: 2026-04-14. Review status: criteria provided, single submitter. Criteria: Genomenon Sequence Variant Interpretation Standards - Updated. Collection method: curation. Allele origin: germline. Affected: yes.
Comment: ABCB4 p.Leu71His (c.212T>A) is a missense variant that changes the amino acid at residue 71 from Leucine to Histidine. This variant has been observed in at least one proband with an ABCB4-related disorder (PMID:23533021). It is absent or not present at a significant frequency in gnomAD. In silico models predict that this variant is possibly or probably damaging. In conclusion, we classify ABCB4 p.Leu71His (c.212T>A) as a variant of uncertain significance.

Women's Health and Genetics/Laboratory Corporation of America, LabCorp
Classification: Uncertain significance. Last evaluated: 2022-11-23. Review status: criteria provided, single submitter. Criteria: LabCorp Variant Classification Summary - May 2015. Collection method: clinical testing. Allele origin: germline.
Comment: Variant summary: ABCB4 c.212T>A (p.Leu71His) results in a non-conservative amino acid change located in the ABC transporter type 1, transmembrane domain (IPR011527) of the encoded protein sequence. Three of four in-silico tools predict a damaging effect of the variant on protein function. The variant allele was found at a frequency of 4e-06 in 251332 control chromosomes (gnomAD). The available data on variant occurrences in the general population are insufficient to allow any conclusion about variant significance. c.212T>A has been reported in the literature in a heterozygous individual affected with low-phospholipid-associated cholelithiasis syndrome (example: Poupon_2013) . This report does not provide unequivocal conclusions about association of the variant with Familial Intrahepatic Cholestasis. To our knowledge, no experimental evidence demonstrating an impact on protein function has been reported. No clinical diagnostic laboratories have submitted clinical-significance assessments for this variant to ClinVar after 2014. Based on the evidence outlined above, the variant was classified as uncertain significance.

Literature cited by the submitters: PubMed 23533021 (cited by Genomenon, Inc and Women's Health and Genetics/Laboratory Corporation of America, LabCorp).

NM_000443.4(ABCB4):c.212T>A (p.Leu71His)

Gene: ABCB4 (ATP binding cassette subfamily B member 4; minus strand). Cytogenetic location: 7q21.12.
Variant type: single nucleotide variant.
Coding change: c.212T>A on transcript NM_000443.4 (MANE Select); coding-DNA position 212, T replaced by A.
Protein change: p.Leu71His; replaces leucine 71 with histidine.
Molecular consequence: missense variant.
Genome position (GRCh38, 1-based): chr7:87,462,832, A>T on the plus strand (T>A on the coding strand, the complement: ABCB4 is on the minus strand). VCF-style: chr7-87462832-A-T. GRCh37 (hg19) VCF-style: chr7-87092148-A-T.
Other names: c.212T>A, p.Leu71His (NM_018849.3, NM_018850.3); short protein forms L71H.
Identifiers: ClinVar variation 1804682 (VCV001804682.2), dbSNP rs780641693, ClinGen allele CA4327597.
Genomic context (GRCh38, chr7:87,462,832, plus strand): 5'-TTTCCTGCAGTATCAACAAATTTGTCAGTCATCTCTCCAAATACTATCATCATGAGGGGG[A>T]GACCTGATCCGTGAGCTATGGCCATGATGGTACCCAGCGACATAAACAATTTATCCTGCC-3'
Protein context (NP_000434.1, residues 61-81): TIMAIAHGSG[Leu71His]PLMMIVFGEM